The following is an entry in ClinVar:

ClinVar aggregate classification (germline): Uncertain significance (1 of 4 stars; one submission).

Conditions:
Autoimmune lymphoproliferative syndrome type 2B. Also called: AUTOIMMUNE LYMPHOPROLIFERATIVE SYNDROME, TYPE IIB. Identifiers: Orphanet 275517, MedGen C1846545, MONDO:0011804, OMIM 607271.

Allele frequency attached by ClinVar (database versions not stated): gnomAD exomes below 0.00001; ExAC 0.00001.
gnomAD v4.1: 1 of 1,614,152 alleles (0.000062%); highest among the groups gnomAD compares: Admixed American, 0.0017%; no homozygotes.

Submission:

Labcorp Genetics (formerly Invitae), Labcorp
Classification: Uncertain significance for Autoimmune lymphoproliferative syndrome type 2B. Last evaluated: 2022-03-18. Review status: criteria provided, single submitter. Criteria: Invitae Variant Classification Sherloc (09022015). Collection method: clinical testing. Allele origin: germline.
Comment: In summary, the available evidence is currently insufficient to determine the role of this variant in disease. Therefore, it has been classified as a Variant of Uncertain Significance. Algorithms developed to predict the effect of missense changes on protein structure and function output the following: SIFT: "Tolerated"; PolyPhen-2: "Benign"; Align-GVGD: "Class C0". The asparagine amino acid residue is found in multiple mammalian species, which suggests that this missense change does not adversely affect protein function. This variant has not been reported in the literature in individuals affected with CASP8-related conditions. This variant is present in population databases (rs747412250, gnomAD 0.003%). This sequence change replaces aspartic acid, which is acidic and polar, with asparagine, which is neutral and polar, at codon 9 of the CASP8 protein (p.Asp9Asn).

NM_001372051.1(CASP8):c.25G>A (p.Asp9Asn)

Gene: CASP8 (caspase 8; plus strand). Cytogenetic location: 2q33.1.
Variant type: single nucleotide variant.
Coding change: c.25G>A on transcript NM_001372051.1 (MANE Select); coding-DNA position 25, G replaced by A.
Protein change: p.Asp9Asn; replaces aspartic acid 9 with asparagine.
Molecular consequence: missense variant. On other transcripts: 5 prime UTR variant (9), non-coding transcript variant (22), intron variant (3).
Genome position (GRCh38, 1-based): chr2:201,266,511, G>A. VCF-style: chr2-201266511-G-A. GRCh37 (hg19) VCF-style: chr2-202131234-G-A.
Other names: c.25G>A, p.Asp9Asn (NM_001080124.2, NM_001400648.1, NM_001400651.1 and 21 more transcripts); c.202G>A, p.Asp68Asn (NM_001080125.2, NM_001400642.1, NM_001400665.1); c.-508G>A (NM_001400671.1, NM_001400673.1, NM_001400676.1 and 4 more transcripts); c.-689G>A (NM_001400674.1); c.-587G>A (NM_001400680.1); c.-4-5005G>A (NM_001400669.1); c.-227-5005G>A (NM_001400672.1, NM_001400675.1); short protein forms D68N, D9N.
Identifiers: ClinVar variation 1923319 (VCV001923319.5), dbSNP rs747412250, ClinGen allele CA2053437.